The following is an entry in ClinVar:

ClinVar aggregate classification (germline): Likely pathogenic. Review status: criteria provided, multiple submitters, no conflicts (2 of 4 stars). 3 submissions from 3 submitters: Likely pathogenic (3). Last evaluated 2024-08-19.

Conditions:
Citrullinemia. Identifiers: Orphanet 187, MedGen C0175683, MONDO:0015991.
Citrin deficiency. Identifiers: Orphanet 247582, MedGen C1997910, MONDO:0016602.
Citrullinemia, type II, adult-onset (CDAA). Also called: CITRIN DEFICIENCY, ADOLESCENT OR ADULT ONSET. Identifiers: Orphanet 247585, MedGen CN295299, MONDO:0011326, OMIM 603471.

Allele frequency attached by ClinVar (database versions not stated): TOPMed below 0.00001; ExAC 0.00001.
gnomAD v4.1: 4 of 1,614,090 alleles (0.00025%); highest among the groups gnomAD compares: Non-Finnish European, 0.00034%; no homozygotes.

Submissions (3):

Natera, Inc.
Classification: Likely pathogenic for Citrullinemia. Last evaluated: 2024-08-19. Review status: criteria provided, single submitter. Criteria: Natera Variant Classification Schema (03/2026). Collection method: clinical testing. Allele origin: germline.
Comment: The c.1750+1G>C variant in SLC25A13 is a canonical splice donor site variant predicted to affect pre-mRNA splicing, which may result in an abnormal transcript and altered protein product. This variant is expected to result in nonsense mediated decay, truncation, or a dysfunctional protein product. This variant is rare in the general population with a frequency below the threshold expected for the associated phenotype(s). Given the available evidence, this variant is classified as Likely Pathogenic.

Labcorp Genetics (formerly Invitae), Labcorp
Classification: Likely pathogenic for Citrin deficiency. Last evaluated: 2023-09-30. Review status: criteria provided, single submitter. Criteria: Invitae Variant Classification Sherloc (09022015). Collection method: clinical testing. Allele origin: germline.
Comment: In summary, the currently available evidence indicates that the variant is pathogenic, but additional data are needed to prove that conclusively. Therefore, this variant has been classified as Likely Pathogenic. Algorithms developed to predict the effect of sequence changes on RNA splicing suggest that this variant may disrupt the consensus splice site. ClinVar contains an entry for this variant (Variation ID: 1068359). This variant has not been reported in the literature in individuals affected with SLC25A13-related conditions. This variant is present in population databases (rs771583670, gnomAD 0.0009%). This sequence change affects a donor splice site in intron 16 of the SLC25A13 gene. It is expected to disrupt RNA splicing. Variants that disrupt the donor or acceptor splice site typically lead to a loss of protein function (PMID: 16199547), and loss-of-function variants in SLC25A13 are known to be pathogenic (PMID: 10369257, 14680984, 27405544).

Baylor Genetics
Classification: Likely pathogenic for Citrullinemia, type II, adult-onset. Last evaluated: 2023-05-14. Review status: criteria provided, single submitter. Criteria: ACMG Guidelines, 2015. Collection method: clinical testing. Allele origin: unknown.

Literature cited by the submitters: PubMed 16199547 (cited by Labcorp Genetics (formerly Invitae), Labcorp); PubMed 10369257 (cited by Labcorp Genetics (formerly Invitae), Labcorp); PubMed 14680984 (cited by Labcorp Genetics (formerly Invitae), Labcorp); PubMed 27405544 (cited by Labcorp Genetics (formerly Invitae), Labcorp).

NM_014251.3(SLC25A13):c.1750+1G>C

Gene: SLC25A13 (solute carrier family 25 member 13; minus strand). Cytogenetic location: 7q21.3.
Variant type: single nucleotide variant.
Coding change: c.1750+1G>C on transcript NM_014251.3 (MANE Select); the canonical splice donor site of the intron after coding-DNA position 1750, G replaced by C.
Molecular consequence: splice donor variant.
Genome position (GRCh38, 1-based): chr7:96,121,838, C>G on the plus strand (G>C on the coding strand, the complement: SLC25A13 is on the minus strand). VCF-style: chr7-96121838-C-G. GRCh37 (hg19) VCF-style: chr7-95751150-C-G.
Other names: c.1750+1G>C (NM_014251.2); c.1753+1G>C (NM_001160210.2).
Identifiers: ClinVar variation 1068359 (VCV001068359.9), dbSNP rs771583670, ClinGen allele CA4352807.